The following is an entry in ClinVar:

ClinVar aggregate classification (germline): Uncertain significance (1 of 4 stars; one submission).

Conditions:
Idiopathic generalized epilepsy. Also called: EIG; Generalised epilepsy. Identifiers: MedGen C0270850, MONDO:0005579, OMIM 600669.
Hyperaldosteronism, familial, type IV (HALD4). Also called: FH IV; ALDOSTERONISM, PRIMARY, AND HYPERTENSION. Identifiers: Orphanet 642671, MedGen C4310756, MONDO:0014875, OMIM 617027.

Allele frequency attached by ClinVar (database versions not stated): gnomAD exomes below 0.00001.
gnomAD v4.1: 3 of 1,575,014 alleles (0.00019%); highest among the groups gnomAD compares: Non-Finnish European, 0.00026%; 1 homozygote.

Submission:

Labcorp Genetics (formerly Invitae), Labcorp
Classification: Uncertain significance for Idiopathic generalized epilepsy; Hyperaldosteronism, familial, type IV. Last evaluated: 2020-06-30. Review status: criteria provided, single submitter. Criteria: Invitae Variant Classification Sherloc (09022015). Collection method: clinical testing. Allele origin: germline.
Comment: In summary, the available evidence is currently insufficient to determine the role of this variant in disease. Therefore, it has been classified as a Variant of Uncertain Significance. Algorithms developed to predict the effect of missense changes on protein structure and function are either unavailable or do not agree on the potential impact of this missense change (SIFT: "Tolerated"; PolyPhen-2: "Possibly Damaging"; Align-GVGD: "Class C0"). This variant has not been reported in the literature in individuals with CACNA1H-related conditions. This variant is not present in population databases (ExAC no frequency). This sequence change replaces proline with threonine at codon 2096 of the CACNA1H protein (p.Pro2096Thr). The proline residue is moderately conserved and there is a small physicochemical difference between proline and threonine.

NM_021098.3(CACNA1H):c.6286C>A (p.Pro2096Thr)

Gene: CACNA1H (calcium voltage-gated channel subunit alpha1 H; plus strand). Cytogenetic location: 16p13.3.
Variant type: single nucleotide variant.
Coding change: c.6286C>A on transcript NM_021098.3 (MANE Select); coding-DNA position 6286, C replaced by A.
Protein change: p.Pro2096Thr; replaces proline 2096 with threonine.
Molecular consequence: missense variant.
Genome position (GRCh38, 1-based): chr16:1,220,218, C>A. VCF-style: chr16-1220218-C-A. GRCh37 (hg19) VCF-style: chr16-1270218-C-A.
Other names: c.6268C>A, p.Pro2090Thr (NM_001005407.2); short protein forms P2090T, P2096T.
Identifiers: ClinVar variation 1044377 (VCV001044377.8), dbSNP rs1179774948, ClinGen allele CA394149437.